The following is an entry in ClinVar:

ClinVar aggregate classification (germline): Uncertain significance. Review status: criteria provided, multiple submitters, no conflicts (2 of 4 stars). 2 submissions from 2 submitters: Uncertain significance (2). Last evaluated 2025-08-02.

Conditions:
Inborn genetic diseases. Identifiers: MedGen C0950123, MeSH D030342.

Submissions (2):

Ambry Genetics
Classification: Uncertain significance for Inborn genetic diseases. Last evaluated: 2025-08-02. Review status: criteria provided, single submitter. Criteria: Ambry Variant Classification Scheme 2023. Collection method: clinical testing. Allele origin: germline.

Labcorp Genetics (formerly Invitae), Labcorp
Classification: Uncertain significance. Last evaluated: 2022-07-17. Review status: criteria provided, single submitter. Criteria: Invitae Variant Classification Sherloc (09022015). Collection method: clinical testing. Allele origin: germline.
Comment: This sequence change replaces lysine, which is basic and polar, with arginine, which is basic and polar, at codon 993 of the COL4A2 protein (p.Lys993Arg). This variant is not present in population databases (gnomAD no frequency). This variant has not been reported in the literature in individuals affected with COL4A2-related conditions. Advanced modeling of protein sequence and biophysical properties (such as structural, functional, and spatial information, amino acid conservation, physicochemical variation, residue mobility, and thermodynamic stability) performed at Invitae indicates that this missense variant is not expected to disrupt COL4A2 protein function. In summary, the available evidence is currently insufficient to determine the role of this variant in disease. Therefore, it has been classified as a Variant of Uncertain Significance.

NM_001846.4(COL4A2):c.2978A>G (p.Lys993Arg)

Gene: COL4A2 (collagen type IV alpha 2 chain; plus strand). Cytogenetic location: 13q34.
Variant type: single nucleotide variant.
Coding change: c.2978A>G on transcript NM_001846.4 (MANE Select); coding-DNA position 2978, A replaced by G.
Protein change: p.Lys993Arg; replaces lysine 993 with arginine.
Molecular consequence: missense variant.
Genome position (GRCh38, 1-based): chr13:110,484,980, A>G. VCF-style: chr13-110484980-A-G. GRCh37 (hg19) VCF-style: chr13-111137327-A-G.
Other names: c.2978A>G (NM_001846.2); short protein forms K993R.
Identifiers: ClinVar variation 1932900 (VCV001932900.6), dbSNP rs2502168234, ClinGen allele CA388728429.